The following is an entry in ClinVar:

ClinVar aggregate classification (germline): Uncertain significance (1 of 4 stars; one submission).

Conditions:
Hypertrophic cardiomyopathy. Also called: HYPERTROPHIC MYOCARDIOPATHY. Identifiers: Orphanet 217569, MedGen C0007194, MeSH D002312, MONDO:0005045, HP:0001639.

Submission:

Labcorp Genetics (formerly Invitae), Labcorp
Classification: Uncertain significance for Hypertrophic cardiomyopathy. Last evaluated: 2021-01-23. Review status: criteria provided, single submitter. Criteria: Invitae Variant Classification Sherloc (09022015). Collection method: clinical testing. Allele origin: germline.
Comment: In summary, the available evidence is currently insufficient to determine the role of this variant in disease. Therefore, it has been classified as a Variant of Uncertain Significance. This variant is found within a region of MYH7 between codons 181 and 937 that contains the majority of the myosin head domain. Missense variants in this region have been shown to be significantly overrepresented in individuals with hypertrophic cardiomyopathy (PMID: 27532257). Algorithms developed to predict the effect of missense changes on protein structure and function are either unavailable or do not agree on the potential impact of this missense change (SIFT: "Not Available"; PolyPhen-2: "Probably Damaging"; Align-GVGD: "Not Available"). This variant has not been reported in the literature in individuals with MYH7-related conditions. The frequency data for this variant in the population databases is not available, as this variant may be reported as separate entries in the ExAC database. This sequence change replaces glutamic acid with leucine at codon 861 of the MYH7 protein (p.Glu861Leu). The glutamic acid residue is moderately conserved and there is a moderate physicochemical difference between glutamic acid and leucine.

Literature cited by the submitters: PubMed 27532257.

NM_000257.4(MYH7):c.2581_2582delinsTT (p.Glu861Leu)

Genes: MYH7 (myosin heavy chain 7; minus strand), LOC126861898 (BRD4-independent group 4 enhancer GRCh37_chr14:23893609-23894808; plus strand). Cytogenetic location: 14q11.2.
Variant type: Indel.
Coding change: c.2581_2582delinsTT on transcript NM_000257.4 (MANE Select); coding-DNA positions 2581 to 2582, GA replaced by TT.
Protein change: p.Glu861Leu; replaces glutamic acid 861 with leucine.
Molecular consequence: missense variant.
Genome position (GRCh38, 1-based): chr14:23,424,866-23,424,867, TC replaced by AA on the plus strand (GA replaced by TT on the coding strand, the reverse complement: MYH7 is on the minus strand). VCF-style: chr14-23424866-TC-AA. GRCh37 (hg19) VCF-style: chr14-23894075-TC-AA.
Other names: short protein forms E861L.
Identifiers: ClinVar variation 1366628 (VCV001366628.6), dbSNP rs2138665718, ClinGen allele CA2573149865.